The following is an entry in ClinVar:

ClinVar aggregate classification (germline): Pathogenic (0 of 4 stars; one submission).

Conditions:
PLA2G6-associated neurodegeneration (PLAN). Also called: phospholipase A2-associated neurodegeneration. Identifiers: Orphanet 329303, MedGen CN204472, MONDO:0017998.

Submission:

Department of Neurology, Second Affiliated Hospital, Zhejiang University
Classification: Pathogenic for PLA2G6-associated neurodegeneration. Review status: no assertion criteria provided. Collection method: clinical testing. Allele origin: germline. Inheritance: Autosomal recessive inheritance. Affected: yes.
Comment: SIFT, Polyphen-2, LRT, MutationTaster, and CADD algorithm predicts this mutation deleterious. Not observed at significant frequency in large population cohorts (gnomAD or ExAC). This variant is associated with the following publications: (PMID: 35624904).

NM_003560.4(PLA2G6):c.1631T>C (p.Met544Thr)

Gene: PLA2G6 (phospholipase A2 group VI; minus strand). Cytogenetic location: 22q13.1.
Variant type: single nucleotide variant.
Coding change: c.1631T>C on transcript NM_003560.4 (MANE Select); coding-DNA position 1631, T replaced by C.
Protein change: p.Met544Thr; replaces methionine 544 with threonine.
Molecular consequence: missense variant.
Genome position (GRCh38, 1-based): chr22:38,120,870, A>G on the plus strand (T>C on the coding strand, the complement: PLA2G6 is on the minus strand). VCF-style: chr22-38120870-A-G. GRCh37 (hg19) VCF-style: chr22-38516877-A-G.
Other names: c.1469T>C, p.Met490Thr (NM_001004426.3, NM_001199562.3, NM_001349865.2 and 1 more transcripts); c.1631T>C, p.Met544Thr (NM_001349864.2); c.1097T>C, p.Met366Thr (NM_001349867.2); c.953T>C, p.Met318Thr (NM_001349868.2); c.935T>C, p.Met312Thr (NM_001349869.2); short protein forms M312T, M318T, M366T, M490T, M544T.
Identifiers: ClinVar variation 3383959 (VCV003383959.1).